The following is an entry in ClinVar:

NM_000037.4(ANK1):c.648C>G (p.Tyr216Ter)

Gene: ANK1 (ankyrin 1; minus strand). Cytogenetic location: 8p11.21.
Variant type: single nucleotide variant.
Coding change: c.648C>G on transcript NM_000037.4 (MANE Select); coding-DNA position 648, C replaced by G.
Protein change: p.Tyr216Ter; replaces tyrosine 216 with a stop codon.
Molecular consequence: nonsense.
Genome position (GRCh38, 1-based): chr8:41,724,519, G>C on the plus strand (C>G on the coding strand, the complement: ANK1 is on the minus strand). VCF-style: chr8-41724519-G-C. GRCh37 (hg19) VCF-style: chr8-41582037-G-C.
Other names: p.(Tyr249Ter); c.747C>G, p.Tyr249Ter (NM_001142446.2); c.648C>G, p.Tyr216Ter (NM_020475.3, NM_020476.3, NM_020477.3); short protein forms Y216*, Y249*.
Identifiers: ClinVar variation 3899462 (VCV003899462.3).

ClinVar aggregate classification (germline): Pathogenic/Likely pathogenic. Review status: criteria provided, multiple submitters, no conflicts (2 of 4 stars). 3 submissions from 3 submitters: Pathogenic (2); Likely pathogenic (1). Last evaluated 2025-11-20.

Conditions:
Hereditary spherocytosis type 1. Also called: Spherocytosis type 1; ANK1-Related Spherocytosis. Identifiers: Orphanet 822, MedGen C2674218, MONDO:0008447, OMIM 182900.

Submissions (3):

Labcorp Genetics (formerly Invitae), Labcorp
Classification: Pathogenic. Last evaluated: 2025-11-20. Review status: criteria provided, single submitter. Criteria: Invitae Variant Classification Sherloc (09022015). Collection method: clinical testing. Allele origin: germline.
Comment: This sequence change creates a premature translational stop signal (p.Tyr216*) in the ANK1 gene. It is expected to result in an absent or disrupted protein product. Loss-of-function variants in ANK1 are known to be pathogenic (PMID: 8640229). This variant is not present in population databases (gnomAD no frequency). This premature translational stop signal has been observed in individual(s) with hereditary spherocytosis (PMID: 28694211, 31016877). ClinVar contains an entry for this variant (Variation ID: 3899462). For these reasons, this variant has been classified as Pathogenic.

GeneDx
Classification: Pathogenic. Last evaluated: 2024-11-17. Review status: criteria provided, single submitter. Criteria: GeneDx Variant Classification Process June 2021. Collection method: clinical testing. Allele origin: germline. Affected: yes.
Comment: Nonsense variant predicted to result in protein truncation or nonsense mediated decay in a gene for which loss of function is a known mechanism of disease; Published functional studies demonstrate a damaging effect (PMID: 31016877); Not observed at significant frequency in large population cohorts (gnomAD); This variant is associated with the following publications: (PMID: 28694211, 31016877)

Department of Pediatrics, Duzce University
Classification: Likely pathogenic for Hereditary spherocytosis type 1. Last evaluated: 2024-02-12. Review status: criteria provided, single submitter. Criteria: ACMG Guidelines, 2015. Collection method: research. Allele origin: germline. Inheritance: Autosomal dominant inheritance. Affected: yes.
Comment: Putatively novel nonsense variant (numbered on transcript NM_001142446.2 as used by the testing laboratory) predicted to introduce a premature stop codon and loss of function, the established mechanism for autosomal dominant hereditary spherocytosis in ANK1 (Wang et al., Ann Hematol 2025; DOI 10.1007/s00277-025-06408-9) (PVS1). Absent from population databases (PM2_supporting). Not previously reported. Applied ACMG/AMP criteria: PVS1, PM2_supporting. Classification: Likely pathogenic.

Literature cited by the submitters: PubMed 8640229 (cited by Labcorp Genetics (formerly Invitae), Labcorp); PubMed 28694211 (cited by Labcorp Genetics (formerly Invitae), Labcorp); PubMed 31016877 (cited by Labcorp Genetics (formerly Invitae), Labcorp); PubMed 40457051 (cited by Department of Pediatrics, Duzce University).